The following is an entry in ClinVar:

ClinVar aggregate classification (germline): Uncertain significance. Review status: criteria provided, multiple submitters, no conflicts (2 of 4 stars). 7 submissions from 5 submitters: Uncertain significance (7). Last evaluated 2025-06-09.

Conditions:
SPG11-related disorder. Also called: SPG11-related condition.
Amyotrophic lateral sclerosis type 5 (ALS5). Also called: AMYOTROPHIC LATERAL SCLEROSIS 5, JUVENILE. Identifiers: Orphanet 300605, MedGen C1865864, MONDO:0011196, OMIM 602099.
Inborn genetic diseases. Identifiers: MedGen C0950123, MeSH D030342.
Charcot-Marie-Tooth disease axonal type 2X. Also called: CHARCOT-MARIE-TOOTH DISEASE, AXONAL, AUTOSOMAL RECESSIVE, TYPE 2X; CHARCOT-MARIE-TOOTH NEUROPATHY, TYPE 2X. Identifiers: Orphanet 466775, MedGen C5569024, MONDO:0014726, OMIM 616668.
Hereditary spastic paraplegia 11. Also called: Spastic Paraplegia 11; SPASTIC PARAPLEGIA, AUTOSOMAL RECESSIVE, COMPLICATED, WITH THIN CORPUS CALLOSUM; SPASTIC PARAPLEGIA, AUTOSOMAL RECESSIVE, WITH MENTAL IMPAIRMENT AND THIN CORPUS CALLOSUM; Spastic paraplegia, mental retardation and thin corpus callosum; Nakamura Osame syndrome; Autosomal recessive hereditary spastic paraplegia, mental impairment, and thin corpus callosum. Identifiers: Orphanet 2822, MedGen C1858479, MONDO:0011445, OMIM 604360.

Allele frequency attached by ClinVar (database versions not stated): ExAC 0.00004; gnomAD exomes 0.00004; gnomAD 0.00005; TOPMed 0.00010.
gnomAD v4.1: 19 of 1,613,944 alleles (0.0012%); highest among the groups gnomAD compares: Admixed American, 0.025%; no homozygotes.

Submissions (7):

PreventionGenetics, part of Exact Sciences
Classification: Uncertain significance for SPG11-related condition. Last evaluated: 2025-06-09. Review status: criteria provided, single submitter. Criteria: ACMG Guidelines, 2015. Collection method: clinical testing. Allele origin: germline.
Comment: The SPG11 c.935G>A variant is predicted to result in the amino acid substitution p.Gly312Asp. To our knowledge, this variant has not been reported in the literature. This variant is reported in 0.029% of alleles in individuals of Latino descent in gnomAD. At this time, the clinical significance of this variant is uncertain due to the absence of conclusive functional and genetic evidence.

Labcorp Genetics (formerly Invitae), Labcorp
Classification: Uncertain significance for Hereditary spastic paraplegia 11. Last evaluated: 2024-12-09. Review status: criteria provided, single submitter. Criteria: Invitae Variant Classification Sherloc (09022015). Collection method: clinical testing. Allele origin: germline.
Comment: This sequence change replaces glycine, which is neutral and non-polar, with aspartic acid, which is acidic and polar, at codon 312 of the SPG11 protein (p.Gly312Asp). This variant is present in population databases (rs774273136, gnomAD 0.03%). This variant has not been reported in the literature in individuals affected with SPG11-related conditions. ClinVar contains an entry for this variant (Variation ID: 423068). Invitae Evidence Modeling of protein sequence and biophysical properties (such as structural, functional, and spatial information, amino acid conservation, physicochemical variation, residue mobility, and thermodynamic stability) indicates that this missense variant is expected to disrupt SPG11 protein function with a positive predictive value of 80%. In summary, the available evidence is currently insufficient to determine the role of this variant in disease. Therefore, it has been classified as a Variant of Uncertain Significance.

Ambry Genetics
Classification: Uncertain significance for Inborn genetic diseases. Last evaluated: 2021-06-18. Review status: criteria provided, single submitter. Criteria: Ambry Variant Classification Scheme 2023. Collection method: clinical testing. Allele origin: germline.

GeneDx
Classification: Uncertain significance. Last evaluated: 2017-02-03. Review status: criteria provided, single submitter. Criteria: GeneDx Variant Classification (06012015). Collection method: clinical testing. Allele origin: germline. Affected: yes.
Comment: The G312D variant in the SPG11 gene has not been reported previously as a pathogenic variant, nor as a benign variant, to our knowledge. The G312D variant is not observed at a significant frequency in large population cohorts (Lek et al., 2016; 1000 Genomes Consortium et al., 2015; Exome Variant Server). The G312D variant is a non-conservative amino acid substitution, which is likely to impact secondary protein structure as these residues differ in polarity, charge, size and/or other properties. This substitution occurs at a position that is conserved in mammals. However, in silico analysis is inconsistent in its predictions as to whether or not the variant is damaging to the protein structure/function. We interpret G312D as a variant of uncertain significance.

Genome-Nilou Lab
Classification: Uncertain significance for Amyotrophic lateral sclerosis type 5. Review status: criteria provided, single submitter. Criteria: ACMG Guidelines, 2015. Collection method: clinical testing. Allele origin: germline.

Genome-Nilou Lab
Classification: Uncertain significance for Charcot-Marie-Tooth disease axonal type 2X. Review status: criteria provided, single submitter. Criteria: ACMG Guidelines, 2015. Collection method: clinical testing. Allele origin: germline.

Genome-Nilou Lab
Classification: Uncertain significance for Hereditary spastic paraplegia 11. Review status: criteria provided, single submitter. Criteria: ACMG Guidelines, 2015. Collection method: clinical testing. Allele origin: germline.

NM_025137.4(SPG11):c.935G>A (p.Gly312Asp)

Gene: SPG11 (SPG11 vesicle trafficking associated, spatacsin; minus strand). Cytogenetic location: 15q21.1.
Variant type: single nucleotide variant.
Coding change: c.935G>A on transcript NM_025137.4 (MANE Select); coding-DNA position 935, G replaced by A.
Protein change: p.Gly312Asp; replaces glycine 312 with aspartic acid.
Molecular consequence: missense variant.
Genome position (GRCh38, 1-based): chr15:44,652,201, C>T on the plus strand (G>A on the coding strand, the complement: SPG11 is on the minus strand). VCF-style: chr15-44652201-C-T. GRCh37 (hg19) VCF-style: chr15-44944399-C-T.
Other names: c.935G>A, p.Gly312Asp (NM_001160227.2); short protein forms G312D.
Identifiers: ClinVar variation 423068 (VCV000423068.8), dbSNP rs774273136, ClinGen allele CA7535673.
Genomic context (GRCh38, chr15:44,652,201, plus strand): 5'-AAGGAAAACTTGGCCAGTTTCATGTTGTAGGCAGAGTTAACAGGATCATCTTCATCTACG[C>T]CCTTAGGTCCTTGAATAGGAAGATCTTCTAGTATTCTTTCACACAGTAGGTGTCCTGGGT-3'
Protein context (NP_079413.3, residues 302-322): LEDLPIQGPK[Gly312Asp]VDEDDPVNSA